The following is an entry in ClinVar:

ClinVar aggregate classification (germline): Uncertain significance. Review status: criteria provided, multiple submitters, no conflicts (2 of 4 stars). 4 submissions from 4 submitters: Uncertain significance (3). 1 of the submissions does not count toward it. Last evaluated 2022-09-13.

Conditions:
Aicardi Goutieres syndrome (AGS). Also called: Encephalopathy, familial infantile, with calcification of basal ganglia and chronic cerebrospinal fluid lymphocytosis. Identifiers: Orphanet 51, MedGen C0393591, MONDO:0018866.
Aicardi-Goutieres syndrome 5. Identifiers: Orphanet 51, MedGen C2749659, MONDO:0013059, OMIM 612952.
Inborn genetic diseases. Identifiers: MedGen C0950123, MeSH D030342.

Allele frequency attached by ClinVar (database versions not stated): ExAC 0.00005; gnomAD exomes 0.00007 and 0.00023; TOPMed 0.00009; gnomAD 0.00012 and 0.00013; ESP Exome Variant Server 0.00015.
gnomAD v4.1: 339 of 1,612,900 alleles (0.021%); highest among the groups gnomAD compares: Non-Finnish European, 0.028%; no homozygotes.

Submissions (4):

Labcorp Genetics (formerly Invitae), Labcorp
Classification: Uncertain significance for Aicardi-Goutieres syndrome 5. Last evaluated: 2022-09-13. Review status: criteria provided, single submitter. Criteria: Invitae Variant Classification Sherloc (09022015). Collection method: clinical testing. Allele origin: germline.
Comment: This sequence change replaces aspartic acid, which is acidic and polar, with asparagine, which is neutral and polar, at codon 585 of the SAMHD1 protein (p.Asp585Asn). This variant is present in population databases (rs202165710, gnomAD 0.01%). This variant has not been reported in the literature in individuals affected with SAMHD1-related conditions. ClinVar contains an entry for this variant (Variation ID: 660739). Algorithms developed to predict the effect of missense changes on protein structure and function (SIFT, PolyPhen-2, Align-GVGD) all suggest that this variant is likely to be tolerated. In summary, the available evidence is currently insufficient to determine the role of this variant in disease. Therefore, it has been classified as a Variant of Uncertain Significance.

Ambry Genetics
Classification: Uncertain significance for Inborn genetic diseases. Last evaluated: 2021-09-28. Review status: criteria provided, single submitter. Criteria: Ambry Variant Classification Scheme 2023. Collection method: clinical testing. Allele origin: germline.

Breakthrough Genomics
Classification: Uncertain significance. Review status: criteria provided, single submitter. Criteria: ACMG Guidelines, 2015. Collection method: not provided. Allele origin: germline. Inheritance: Autosomal dominant inheritance. Affected: yes.

Natera, Inc.
Classification: Uncertain significance for Aicardi-Goutieres syndrome. Last evaluated: 2020-09-16. Review status: no assertion criteria provided. Collection method: clinical testing. Allele origin: germline. Not counted in ClinVar's aggregate classification.

NM_015474.4(SAMHD1):c.1753G>A (p.Asp585Asn)

Genes: SAMHD1 (SAM and HD domain containing deoxynucleoside triphosphate triphosphohydrolase 1; minus strand), TLDC2 (TBC/LysM-associated domain containing 2; plus strand). Cytogenetic location: 20q11.23.
Variant type: single nucleotide variant.
Coding change: c.1753G>A on transcript NM_015474.4 (MANE Select); coding-DNA position 1753, G replaced by A.
Protein change: p.Asp585Asn; replaces aspartic acid 585 with asparagine.
Molecular consequence: missense variant. On other transcripts: 3 prime UTR variant (3).
Genome position (GRCh38, 1-based): chr20:36,893,060, C>T on the plus strand (G>A on the coding strand, the complement: SAMHD1 is on the minus strand). VCF-style: chr20-36893060-C-T. GRCh37 (hg19) VCF-style: chr20-35521463-C-T.
Other names: c.*216C>T (NM_001304783.1, NM_080628.3); c.1648G>A, p.Asp550Asn (NM_001363729.2); c.*846G>A (NM_001363733.2); short protein forms D585N, D550N.
Identifiers: ClinVar variation 660739 (VCV000660739.6), dbSNP rs202165710, ClinGen allele CA9844414.